The following is an entry in ClinVar:

NM_001378454.1(ALMS1):c.10041G>A (p.Leu3347=)

Gene: ALMS1 (ALMS1 centrosome and basal body associated protein; plus strand). Cytogenetic location: 2p13.1.
Variant type: single nucleotide variant.
Coding change: c.10041G>A on transcript NM_001378454.1 (MANE Select); coding-DNA position 10041, G replaced by A.
Protein change: p.Leu3347=; no amino-acid change (leucine 3347 retained).
Molecular consequence: synonymous variant.
Genome position (GRCh38, 1-based): chr2:73,550,400, G>A. VCF-style: chr2-73550400-G-A. GRCh37 (hg19) VCF-style: chr2-73777527-G-A.
Other names: c.10044G>A, p.Leu3348= (NM_015120.4).
Identifiers: ClinVar variation 4992456 (VCV004992456.1).
Genomic context (GRCh38, chr2:73,550,400, plus strand): 5'-TGTTAACATTAAACATAAAGAAGGAATCTACAGTAAGAGGGTAGTGACTAAGGCATCCTT[G>A]CCAGTGGGAGAAAAACCCTTGCAGAATGAAAATGCAGGTAACTGGATTGGCTTTGTATAC-3'
Protein context (NP_001365383.1, residues 3337-3357): YSKRVVTKAS[Leu3347=]PVGEKPLQNE

ClinVar aggregate classification (germline): Likely benign (1 of 4 stars; one submission).

Conditions:
ALMS1-related disorder. Also called: ALMS1-related condition.

Submission:

PreventionGenetics, part of Exact Sciences
Classification: Likely benign for ALMS1-related condition. Last evaluated: 2026-08-20. Review status: criteria provided, single submitter. Criteria: ACMG Guidelines, 2015. Collection method: clinical testing. Allele origin: germline.
Comment: This variant is classified as likely benign based on ACMG/AMP sequence variant interpretation guidelines (Richards et al. 2015 PMID: 25741868, with internal and published modifications).